The following is an entry in ClinVar:

NM_182961.4(SYNE1):c.13331G>A (p.Arg4444Gln)

Gene: SYNE1 (spectrin repeat containing nuclear envelope protein 1; minus strand). Cytogenetic location: 6q25.2.
Variant type: single nucleotide variant.
Coding change: c.13331G>A on transcript NM_182961.4 (MANE Select); coding-DNA position 13331, G replaced by A.
Protein change: p.Arg4444Gln; replaces arginine 4444 with glutamine.
Molecular consequence: missense variant.
Genome position (GRCh38, 1-based): chr6:152,331,354, C>T on the plus strand (G>A on the coding strand, the complement: SYNE1 is on the minus strand). VCF-style: chr6-152331354-C-T. GRCh37 (hg19) VCF-style: chr6-152652489-C-T.
Other names: c.13118G>A, p.Arg4373Gln (NM_033071.5); short protein forms R4373Q, R4444Q.
Identifiers: ClinVar variation 212336 (VCV000212336.25), dbSNP rs139075013, ClinGen allele CA205828.

ClinVar aggregate classification (germline): Conflicting classifications of pathogenicity. Review status: criteria provided, conflicting classifications (1 of 4 stars). 10 submissions from 9 submitters: Uncertain significance (9); Benign (1). Last evaluated 2026-08-01.

Conditions:
Autosomal recessive ataxia, Beauce type. Also called: SYNE1-Related Autosomal Recessive Cerebellar Ataxia; Spinocerebellar ataxia, autosomal recessive 8; ATAXIA, RECESSIVE, OF BEAUCE; SYNE1 Deficiency. Identifiers: Orphanet 88644, MedGen C1853116, MONDO:0012549, OMIM 610743.
Emery-Dreifuss muscular dystrophy 4, autosomal dominant (EDMD4). Also called: EMERY-DREIFUSS MUSCULAR DYSTROPHY 4 WITH VARIABLE FEATURES. Identifiers: Orphanet 261, MedGen C2751807, MONDO:0013071, OMIM 612998.

Allele frequency attached by ClinVar (database versions not stated): gnomAD 0.00004 and 0.00005; gnomAD exomes 0.00004; ExAC 0.00005; TOPMed 0.00005; ESP Exome Variant Server 0.00008.
gnomAD v4.1: 59 of 1,614,202 alleles (0.0037%); highest among the groups gnomAD compares: East Asian, 0.018%; no homozygotes.

Submissions (10):

CeGaT Center for Human Genetics Tuebingen
Classification: Uncertain significance. Last evaluated: 2026-08-01. Review status: criteria provided, single submitter. Criteria: CeGaT Center For Human Genetics Tuebingen Variant Classification Criteria Version 2. Collection method: clinical testing. Allele origin: germline. Affected: yes. Observed: 1 variant allele.

GeneDx
Classification: Uncertain significance. Last evaluated: 2024-09-16. Review status: criteria provided, single submitter. Criteria: GeneDx Variant Classification Process June 2021. Collection method: clinical testing. Allele origin: germline. Affected: yes.
Comment: Reported previously, although a c. was not provided, in a patient with dysarthria, developmental delay, lower extremity sensory loss, and weakness; however, this variant was thought to be likely benign as the patient also harbored another variant in cis and a third variant most likely in trans (PMID: 29915382); In silico analysis indicates that this missense variant does not alter protein structure/function; This variant is associated with the following publications: (PMID: 29915382)

Revvity Omics, Revvity
Classification: Uncertain significance. Last evaluated: 2023-03-20. Review status: criteria provided, single submitter. Criteria: ACMG Guidelines, 2015. Collection method: clinical testing. Allele origin: germline.

Blueprint Genetics
Classification: Uncertain significance. Last evaluated: 2022-09-23. Review status: criteria provided, single submitter. Criteria: ACMG Guidelines, 2015. Collection method: clinical testing. Allele origin: germline.

Labcorp Genetics (formerly Invitae), Labcorp
Classification: Uncertain significance for Emery-Dreifuss muscular dystrophy 4, autosomal dominant; Autosomal recessive ataxia, Beauce type. Last evaluated: 2022-06-16. Review status: criteria provided, single submitter. Criteria: Invitae Variant Classification Sherloc (09022015). Collection method: clinical testing. Allele origin: germline.
Comment: This sequence change replaces arginine, which is basic and polar, with glutamine, which is neutral and polar, at codon 4373 of the SYNE1 protein (p.Arg4373Gln). This variant is present in population databases (rs139075013, gnomAD 0.03%). This variant has not been reported in the literature in individuals affected with SYNE1-related conditions. ClinVar contains an entry for this variant (Variation ID: 212336). Algorithms developed to predict the effect of missense changes on protein structure and function are either unavailable or do not agree on the potential impact of this missense change (SIFT: "Deleterious"; PolyPhen-2: "Probably Damaging"; Align-GVGD: "Class C0"). In summary, the available evidence is currently insufficient to determine the role of this variant in disease. Therefore, it has been classified as a Variant of Uncertain Significance.

Genomic Research Center, Shahid Beheshti University of Medical Sciences
Classification: Uncertain significance for Emery-Dreifuss muscular dystrophy 4, autosomal dominant. Last evaluated: 2018-08-07. Review status: criteria provided, single submitter. Criteria: ACMG Guidelines, 2015. Collection method: clinical testing. Allele origin: unknown. Affected: yes. Observed: 1 variant allele.

Eurofins Ntd Llc (ga)
Classification: Uncertain significance. Last evaluated: 2018-05-14. Review status: criteria provided, single submitter. Criteria: EGL ClinVar v180209 classification definitions. Collection method: clinical testing. Allele origin: germline. Observed: 1 variant allele, 1 heterozygote.

Illumina Laboratory Services, Illumina
Classification: Uncertain significance for Autosomal recessive ataxia, Beauce type. Last evaluated: 2018-01-13. Review status: criteria provided, single submitter. Criteria: ICSL Variant Classification Criteria 13 December 2019. Collection method: clinical testing. Allele origin: germline.

Illumina Laboratory Services, Illumina
Classification: Benign for Emery-Dreifuss muscular dystrophy 4, autosomal dominant. Last evaluated: 2018-01-13. Review status: criteria provided, single submitter. Criteria: ICSL Variant Classification Criteria 13 December 2019. Collection method: clinical testing. Allele origin: germline.
Comment: This variant was observed in the ICSL laboratory as part of a predisposition screen in an ostensibly healthy population. It had not been previously curated by ICSL or reported in the Human Gene Mutation Database (HGMD: prior to June 1st, 2018), and was therefore a candidate for classification through an automated scoring system. Utilizing variant allele frequency, disease prevalence and penetrance estimates, and inheritance mode, an automated score was calculated to assess if this variant is too frequent to cause the disease. Based on the score and internal cut-off values, a variant classified as benign is not then subjected to further curation. The score for this variant resulted in a classification of benign for this disease.

Genetic Services Laboratory, University of Chicago
Classification: Uncertain significance. Last evaluated: 2014-09-04. Review status: criteria provided, single submitter. Criteria: ACMG Guidelines, 2015. Collection method: clinical testing. Allele origin: germline.